The following is an entry in ClinVar:

ClinVar aggregate classification (germline): Uncertain significance (1 of 4 stars; one submission).

Submission:

GeneDx
Classification: Uncertain significance. Last evaluated: 2024-05-19. Review status: criteria provided, single submitter. Criteria: GeneDx Variant Classification Process June 2021. Collection method: clinical testing. Allele origin: germline. Affected: yes.
Comment: Not observed at significant frequency in large population cohorts (gnomAD); In silico analysis supports that this missense variant has a deleterious effect on protein structure/function; Has not been previously published as pathogenic or benign to our knowledge

NM_000875.5(IGF1R):c.3200G>T (p.Gly1067Val)

Gene: IGF1R (insulin like growth factor 1 receptor; plus strand). Cytogenetic location: 15q26.3.
Variant type: single nucleotide variant.
Coding change: c.3200G>T on transcript NM_000875.5 (MANE Select); coding-DNA position 3200, G replaced by T.
Protein change: p.Gly1067Val; replaces glycine 1067 with valine.
Molecular consequence: missense variant.
Genome position (GRCh38, 1-based): chr15:98,935,329, G>T. VCF-style: chr15-98935329-G-T. GRCh37 (hg19) VCF-style: chr15-99478558-G-T.
Other names: c.3197G>T, p.Gly1066Val (NM_001291858.2); short protein forms G1066V, G1067V.
Identifiers: ClinVar variation 3381646 (VCV003381646.1).